The following is an entry in ClinVar:

ClinVar aggregate classification (germline): Likely benign (1 of 4 stars; one submission).

gnomAD v4.1: 6 of 1,196,016 alleles (0.0005%); highest among the groups gnomAD compares: Non-Finnish European, 0.00068%; no homozygotes.

Submission:

Mayo Clinic Laboratories, Mayo Clinic
Classification: Likely benign. Last evaluated: 2025-04-30. Review status: criteria provided, single submitter. Criteria: ACMG Guidelines, 2015. Collection method: clinical testing. Allele origin: germline. Observed: 1 variant allele.
Comment: BP4, BP7

Literature cited by the submitters: PubMed 23393390.

NM_001711.6(BGN):c.-6T>C

Gene: BGN (biglycan; plus strand). Cytogenetic location: Xq28.
Variant type: single nucleotide variant.
Coding change: c.-6T>C on transcript NM_001711.6 (MANE Select); 6 bases upstream of the start codon, T replaced by C.
Molecular consequence: 5 prime UTR variant.
Genome position (GRCh38, 1-based): chrX:153,504,626, T>C. VCF-style: chrX-153504626-T-C. GRCh37 (hg19) VCF-style: chrX-152770084-T-C.
Identifiers: ClinVar variation 4684537 (VCV004684537.1).